The following is an entry in ClinVar:

NM_001040142.2(SCN2A):c.605+15_605+16delinsTATT

Gene: SCN2A (sodium voltage-gated channel alpha subunit 2; plus strand). Cytogenetic location: 2q24.3.
Variant type: Indel.
Coding change: c.605+15_605+16delinsTATT on transcript NM_001040142.2 (MANE Select); bases 15 to 16 of the intron after coding-DNA position 605, AC replaced by TATT.
Molecular consequence: intron variant.
Genome position (GRCh38, 1-based): chr2:165,308,809-165,308,810, AC replaced by TATT. VCF-style: chr2-165308809-AC-TATT. GRCh37 (hg19) VCF-style: chr2-166165319-AC-TATT.
Other names: c.605+15_605+16delinsTATT (NM_001040143.2, NM_001371246.1, NM_001371247.1 and 1 more transcripts); c.605+15_605+16delACinsTATT (NM_021007.2).
Identifiers: ClinVar variation 423087 (VCV000423087.1), dbSNP rs1553567419, ClinGen allele CA16617258.
Genomic context (GRCh38, chr2:165,308,809, plus strand): 5'-TACGGGATCCATGGAATTGGTTGGATTTCACAGTCATTACTTTTGCGTAAGTATCTTAAT[AC>TATT]ATTTTCTATCCTGGAAGAGTAAATCACTGGTGGGAGCCTATACTATATTTTCCTTGGTGG-3'

ClinVar aggregate classification (germline): Likely benign (1 of 4 stars; one submission).

Submission:

GeneDx
Classification: Likely benign. Last evaluated: 2017-01-17. Review status: criteria provided, single submitter. Criteria: GeneDx Variant Classification (06012015). Collection method: clinical testing. Allele origin: germline. Affected: yes.
Comment: This variant is considered likely benign or benign based on one or more of the following criteria: it is a conservative change, it occurs at a poorly conserved position in the protein, it is predicted to be benign by multiple in silico algorithms, and/or has population frequency not consistent with disease.